The following is an entry in ClinVar:

NM_000535.7(PMS2):c.989-12T>C

Gene: PMS2 (PMS1 homolog 2, mismatch repair system component; minus strand). Cytogenetic location: 7p22.1.
Variant type: single nucleotide variant.
Coding change: c.989-12T>C on transcript NM_000535.7 (MANE Select); 12 bases into the intron before coding-DNA position 989, T replaced by C.
Molecular consequence: intron variant.
Genome position (GRCh38, 1-based): chr7:5,989,967, A>G on the plus strand (T>C on the coding strand, the complement: PMS2 is on the minus strand). VCF-style: chr7-5989967-A-G. GRCh37 (hg19) VCF-style: chr7-6029598-A-G.
Other names: c.671-12T>C (NM_001322008.2, NM_001406883.1, NM_001406903.1 and 2 more transcripts); c.680-12T>C (NM_001406881.1, NM_001406879.1, NM_001322015.2 and 5 more transcripts); c.584-12T>C (NM_001406895.1, NM_001322004.2, NM_001406889.1 and 16 more transcripts); c.218-12T>C (NM_001406911.1); c.583+2006T>C (NM_001322010.2, NM_001406906.1, NM_001406907.1); c.670+2006T>C (NM_001406902.1, NM_001406901.1); c.476-12T>C (NM_001406904.1, NM_001406905.1); c.416-12T>C (NM_001322013.2, NM_001406909.1); and 13 more.
Identifiers: ClinVar variation 3903643 (VCV003903643.1).
Genomic context (GRCh38, chr7:5,989,967, plus strand): 5'-TGTAGCAAAATTTGCCTTTTATCTGGAGTAACATTGATATCAACGCATTCTAAGGCAAAA[A>G]AGAAAACATATTTATTATGTTTAAATTCACTTTTATTTTATTTATTAATTATTATTTTCA-3'

ClinVar aggregate classification (germline): Likely benign (1 of 4 stars; one submission).

Conditions:
Lynch syndrome 4 (LYNCH4). Also called: Colorectal cancer, hereditary nonpolyposis, type 4; Hereditary non-polyposis colorectal cancer, type 4. Identifiers: Orphanet 144, MedGen C1838333, MONDO:0013699, OMIM 614337. Disease mechanism: loss of function.

Submission:

Myriad Genetics, Inc.
Classification: Likely benign for Lynch syndrome 4. Last evaluated: 2025-01-29. Review status: criteria provided, single submitter. Criteria: Myriad Autosomal Dominant, Autosomal Recessive and X-Linked Classification Criteria (2023). Collection method: clinical testing. Allele origin: unknown.
Comment: This variant is considered likely benign. This variant is intronic and is not expected to impact mRNA splicing.